The following is an entry in ClinVar:

ClinVar aggregate classification (germline): Uncertain significance. Review status: criteria provided, multiple submitters, no conflicts (2 of 4 stars). 3 submissions from 3 submitters: Uncertain significance (3). Last evaluated 2026-01-07.

gnomAD v4.1: 1 of 986,816 alleles (0.0001%); highest among the groups gnomAD compares: Non-Finnish European, 0.00012%; no homozygotes.

Submissions (3):

GeneDx
Classification: Uncertain significance. Last evaluated: 2026-01-07. Review status: criteria provided, single submitter. Criteria: GeneDx Variant Classification Process June 2021. Collection method: clinical testing. Allele origin: germline.
Comment: Not observed at significant frequency in large population cohorts (gnomAD); In silico analysis suggests that this missense variant does not alter protein structure/function; Has not been previously published as pathogenic or benign to our knowledge

Labcorp Genetics (formerly Invitae), Labcorp
Classification: Uncertain significance. Last evaluated: 2025-09-18. Review status: criteria provided, single submitter. Criteria: Invitae Variant Classification Sherloc (09022015). Collection method: clinical testing. Allele origin: germline.
Comment: This sequence change replaces alanine, which is neutral and non-polar, with threonine, which is neutral and polar, at codon 16 of the KMT2B protein (p.Ala16Thr). The frequency data for this variant in the population databases is considered unreliable, as metrics indicate insufficient coverage at this position in the gnomAD database. This variant has not been reported in the literature in individuals affected with KMT2B-related conditions. ClinVar contains an entry for this variant (Variation ID: 3613912). Invitae Evidence Modeling of protein sequence and biophysical properties (such as structural, functional, and spatial information, amino acid conservation, physicochemical variation, residue mobility, and thermodynamic stability) indicates that this missense variant is not expected to disrupt KMT2B protein function with a negative predictive value of 95%. In summary, the available evidence is currently insufficient to determine the role of this variant in disease. Therefore, it has been classified as a Variant of Uncertain Significance.

Dasa
Classification: Uncertain significance. Last evaluated: 2025-06-04. Review status: criteria provided, single submitter. Criteria: DASA Assertion Criteria. Collection method: clinical testing. Allele origin: germline.
Comment: NM_014727.3(KMT2B):c.46G>A (p.Ala16Thr) is a missense variant that results in the substitution of alanine with threonine. This variant is rare in population databases. Computational prediction algorithms are consistent with a benign effect. The currently available literature and clinical evidence are not sufficient to establish a definitive association between this variant and the reported condition. Therefore, this variant is classified as a variant of uncertain significance.

NM_014727.3(KMT2B):c.46G>A (p.Ala16Thr)

Gene: KMT2B (lysine methyltransferase 2B; plus strand). Cytogenetic location: 19q13.12.
Variant type: single nucleotide variant.
Coding change: c.46G>A on transcript NM_014727.3 (MANE Select); coding-DNA position 46, G replaced by A.
Protein change: p.Ala16Thr; replaces alanine 16 with threonine.
Molecular consequence: missense variant.
Genome position (GRCh38, 1-based): chr19:35,718,064, G>A. VCF-style: chr19-35718064-G-A. GRCh37 (hg19) VCF-style: chr19-36208966-G-A.
Other names: c.46G>A (NM_014727.2); short protein forms A16T.
Identifiers: ClinVar variation 3613912 (VCV003613912.6).